The following is an entry in ClinVar:

ClinVar aggregate classification (germline): Uncertain significance (1 of 4 stars; one submission).

Conditions:
Hereditary cancer-predisposing syndrome. Also called: Neoplastic Syndromes, Hereditary; Tumor predisposition; Hereditary Cancer Syndrome; Hereditary neoplastic syndrome. Identifiers: Orphanet 140162, MedGen C0027672, MeSH D009386, MONDO:0015356.

Submission:

Ambry Genetics
Classification: Uncertain significance for Hereditary cancer-predisposing syndrome. Last evaluated: 2026-03-03. Review status: criteria provided, single submitter. Criteria: Ambry Variant Classification Scheme 2023. Collection method: clinical testing. Allele origin: germline.
Comment: The p.S301A variant (also known as c.901T>G), located in coding exon 8 of the BMPR1A gene, results from a T to G substitution at nucleotide position 901. The serine at codon 301 is replaced by alanine, an amino acid with similar properties. This amino acid position is conserved. In addition, this alteration is predicted to be tolerated by in silico analysis. Based on the available evidence, the clinical significance of this variant remains unclear.

NM_004329.3(BMPR1A):c.901T>G (p.Ser301Ala)

Gene: BMPR1A (bone morphogenetic protein receptor type 1A; plus strand). Cytogenetic location: 10q23.2.
Variant type: single nucleotide variant.
Coding change: c.901T>G on transcript NM_004329.3 (MANE Select); coding-DNA position 901, T replaced by G.
Protein change: p.Ser301Ala; replaces serine 301 with alanine.
Molecular consequence: missense variant. On other transcripts: non-coding transcript variant (3).
Genome position (GRCh38, 1-based): chr10:86,919,204, T>G. VCF-style: chr10-86919204-T-G. GRCh37 (hg19) VCF-style: chr10-88678961-T-G.
Other names: c.976T>G, p.Ser326Ala (NM_001406559.1); c.949T>G, p.Ser317Ala (NM_001406560.1); c.901T>G, p.Ser301Ala (NM_001406561.1, NM_001406562.1, NM_001406563.1 and 19 more transcripts); c.817T>G, p.Ser273Ala (NM_001406587.1, NM_001406588.1, NM_001406584.1 and 2 more transcripts); c.559T>G, p.Ser187Ala (NM_001406589.1); c.895T>G, p.Ser299Ala (NM_001406583.1); short protein forms S301A, S317A, S299A, S187A, S326A, S273A.
Identifiers: ClinVar variation 4826526 (VCV004826526.1).
Genomic context (GRCh38, chr10:86,919,204, plus strand): 5'-TAACCTTTTAAACTCATCAACTGGACAGGTTTCATAGCGGCAGACATTAAAGGTACAGGT[T>G]CCTGGACTCAGCTCTATTTGATTACTGATTACCATGAAAATGGATCTCTCTATGACTTCC-3'
Protein context (NP_004320.2, residues 291-311): FIAADIKGTG[Ser301Ala]WTQLYLITDY